The following is an entry in ClinVar:

ClinVar aggregate classification (germline): Uncertain significance (1 of 4 stars; one submission).

Submission:

GeneDx
Classification: Uncertain significance. Last evaluated: 2024-06-24. Review status: criteria provided, single submitter. Criteria: GeneDx Variant Classification Process June 2021. Collection method: clinical testing. Allele origin: germline. Affected: yes.
Comment: Not observed at significant frequency in large population cohorts (gnomAD); In silico analysis supports that this missense variant has a deleterious effect on protein structure/function; Has not been previously published as pathogenic or benign to our knowledge

NM_015404.4(WHRN):c.1079G>C (p.Gly360Ala)

Gene: WHRN (whirlin; minus strand). Cytogenetic location: 9q32.
Variant type: single nucleotide variant.
Coding change: c.1079G>C on transcript NM_015404.4 (MANE Select); coding-DNA position 1079, G replaced by C.
Protein change: p.Gly360Ala; replaces glycine 360 with alanine.
Molecular consequence: missense variant. On other transcripts: 5 prime UTR variant (1).
Genome position (GRCh38, 1-based): chr9:114,426,298, C>G on the plus strand (G>C on the coding strand, the complement: WHRN is on the minus strand). VCF-style: chr9-114426298-C-G. GRCh37 (hg19) VCF-style: chr9-117188578-C-G.
Other names: c.-71G>C (NM_001083885.3); c.1079G>C, p.Gly360Ala (NM_001173425.2); short protein forms G360A.
Identifiers: ClinVar variation 3392667 (VCV003392667.1).